The following is an entry in ClinVar:

NM_020812.4(DOCK6):c.5790A>G (p.Leu1930=)

Gene: DOCK6 (dedicator of cytokinesis 6; minus strand). Cytogenetic location: 19p13.2.
Variant type: single nucleotide variant.
Coding change: c.5790A>G on transcript NM_020812.4 (MANE Select); coding-DNA position 5790, A replaced by G.
Protein change: p.Leu1930=; no amino-acid change (leucine 1930 retained).
Molecular consequence: synonymous variant.
Genome position (GRCh38, 1-based): chr19:11,200,951, T>C on the plus strand (A>G on the coding strand, the complement: DOCK6 is on the minus strand). VCF-style: chr19-11200951-T-C. GRCh37 (hg19) VCF-style: chr19-11311627-T-C.
Other names: c.5895A>G, p.Leu1965= (NM_001367830.1); c.5790A>G (NM_020812.3).
Identifiers: ClinVar variation 2065631 (VCV002065631.5), dbSNP rs201292016, ClinGen allele CA9206342.

ClinVar aggregate classification (germline): Likely benign. Review status: criteria provided, multiple submitters, no conflicts (2 of 4 stars). 2 submissions from 2 submitters: Likely benign (2). Last evaluated 2025-10-27.

Conditions:
DOCK6-related disorder. Also called: DOCK6-related condition.

Allele frequency attached by ClinVar (database versions not stated): gnomAD exomes below 0.00001; ExAC 0.00002; TOPMed 0.00004; gnomAD 0.00007; ESP Exome Variant Server 0.00016; 1000 Genomes Project 0.00020; 1000 Genomes Project 30x 0.00031.
gnomAD v4.1: 19 of 1,613,852 alleles (0.0012%); highest among the groups gnomAD compares: African/African-American, 0.023%; no homozygotes.

Submissions (2):

Labcorp Genetics (formerly Invitae), Labcorp
Classification: Likely benign. Last evaluated: 2025-10-27. Review status: criteria provided, single submitter. Criteria: Invitae Variant Classification Sherloc (09022015). Collection method: clinical testing. Allele origin: germline.

PreventionGenetics, part of Exact Sciences
Classification: Likely benign for DOCK6-related condition. Last evaluated: 2024-11-09. Review status: criteria provided, single submitter. Criteria: ACMG Guidelines, 2015. Collection method: clinical testing. Allele origin: germline.
Comment: This variant is classified as likely benign based on ACMG/AMP sequence variant interpretation guidelines (Richards et al. 2015 PMID: 25741868, with internal and published modifications).